The following is an entry in ClinVar:

ClinVar aggregate classification (germline): Uncertain significance. Review status: criteria provided, multiple submitters, no conflicts (2 of 4 stars). 2 submissions from 2 submitters: Uncertain significance (2). Last evaluated 2023-12-12.

Conditions:
Left ventricular noncompaction 8 (LVNC8). Identifiers: Orphanet 154, Orphanet 54260, MedGen C3809288, MONDO:0014152, OMIM 615373.
Inborn genetic diseases. Identifiers: MedGen C0950123, MeSH D030342.

Allele frequency attached by ClinVar (database versions not stated): ExAC 0.00003; 1000 Genomes Project 30x 0.00031; gnomAD 0.00001; gnomAD exomes 0.00001; TOPMed 0.00001; 1000 Genomes Project 0.00020.
gnomAD v4.1: 13 of 1,613,548 alleles (0.00081%); highest among the groups gnomAD compares: East Asian, 0.0067%; no homozygotes.

Submissions (2):

Labcorp Genetics (formerly Invitae), Labcorp
Classification: Uncertain significance for Left ventricular noncompaction 8. Last evaluated: 2023-12-12. Review status: criteria provided, single submitter. Criteria: Invitae Variant Classification Sherloc (09022015). Collection method: clinical testing. Allele origin: germline.
Comment: This sequence change replaces serine, which is neutral and polar, with leucine, which is neutral and non-polar, at codon 918 of the PRDM16 protein (p.Ser918Leu). This variant is present in population databases (rs556571848, gnomAD 0.007%). This variant has not been reported in the literature in individuals affected with PRDM16-related conditions. ClinVar contains an entry for this variant (Variation ID: 2042076). An algorithm developed to predict the effect of missense changes on protein structure and function (PolyPhen-2) suggests that this variant is likely to be tolerated. In summary, the available evidence is currently insufficient to determine the role of this variant in disease. Therefore, it has been classified as a Variant of Uncertain Significance.

Ambry Genetics
Classification: Uncertain significance for Inborn genetic diseases. Last evaluated: 2023-09-22. Review status: criteria provided, single submitter. Criteria: Ambry Variant Classification Scheme 2023. Collection method: clinical testing. Allele origin: germline.

NM_022114.4(PRDM16):c.2753C>T (p.Ser918Leu)

Gene: PRDM16 (PR/SET domain 16; plus strand). Cytogenetic location: 1p36.32.
Variant type: single nucleotide variant.
Coding change: c.2753C>T on transcript NM_022114.4 (MANE Select); coding-DNA position 2753, C replaced by T.
Protein change: p.Ser918Leu; replaces serine 918 with leucine.
Molecular consequence: missense variant.
Genome position (GRCh38, 1-based): chr1:3,417,889, C>T. VCF-style: chr1-3417889-C-T. GRCh37 (hg19) VCF-style: chr1-3334453-C-T.
Other names: c.2753C>T, p.Ser918Leu (NM_199454.3); c.2753C>T (NM_022114.3); short protein forms S918L.
Identifiers: ClinVar variation 2042076 (VCV002042076.5), dbSNP rs556571848, ClinGen allele CA544592.